The following is an entry in ClinVar:

ClinVar aggregate classification (germline): Uncertain significance (1 of 4 stars; one submission).

Conditions:
Familial focal epilepsy with variable foci (FPEVF). Identifiers: Orphanet 98820, MedGen C1858477, MONDO:0020310.

Allele frequency attached by ClinVar (database versions not stated): gnomAD exomes 0.00001.
gnomAD v4.1: 8 of 1,614,188 alleles (0.0005%); highest among the groups gnomAD compares: Middle Eastern, 0.082%; no homozygotes.

Submission:

Labcorp Genetics (formerly Invitae), Labcorp
Classification: Uncertain significance for Familial focal epilepsy with variable foci. Last evaluated: 2024-04-12. Review status: criteria provided, single submitter. Criteria: Invitae Variant Classification Sherloc (09022015). Collection method: clinical testing. Allele origin: germline.
Comment: This sequence change replaces glutamine, which is neutral and polar, with histidine, which is basic and polar, at codon 594 of the DEPDC5 protein (p.Gln594His). This variant is present in population databases (no rsID available, gnomAD 0.0009%). This variant has not been reported in the literature in individuals affected with DEPDC5-related conditions. ClinVar contains an entry for this variant (Variation ID: 1505316). Experimental studies and prediction algorithms are not available or were not evaluated, and the functional significance of this variant is currently unknown. In summary, the available evidence is currently insufficient to determine the role of this variant in disease. Therefore, it has been classified as a Variant of Uncertain Significance.

NM_001242896.3(DEPDC5):c.1782G>C (p.Gln594His)

Gene: DEPDC5 (DEP domain containing 5, GATOR1 subcomplex subunit; plus strand). Cytogenetic location: 22q12.3.
Variant type: single nucleotide variant.
Coding change: c.1782G>C on transcript NM_001242896.3 (MANE Select); coding-DNA position 1782, G replaced by C.
Protein change: p.Gln594His; replaces glutamine 594 with histidine.
Molecular consequence: missense variant. On other transcripts: non-coding transcript variant (5).
Genome position (GRCh38, 1-based): chr22:31,819,137, G>C. VCF-style: chr22-31819137-G-C. GRCh37 (hg19) VCF-style: chr22-32215123-G-C.
Other names: c.1782G>C, p.Gln594His (NM_001242897.2, NM_001363852.2, NM_001363854.2 and 6 more transcripts); c.1698G>C, p.Gln566His (NM_001369901.1, NM_001369902.1); short protein forms Q566H, Q594H.
Identifiers: ClinVar variation 1505316 (VCV001505316.6), dbSNP rs1446743254, ClinGen allele CA411280805.